The following is an entry in ClinVar:

NM_002437.5(MPV17):c.322G>T (p.Val108Leu)

Gene: MPV17 (mitochondrial inner membrane protein MPV17; minus strand). Cytogenetic location: 2p23.3.
Variant type: single nucleotide variant.
Coding change: c.322G>T on transcript NM_002437.5 (MANE Select); coding-DNA position 322, G replaced by T.
Protein change: p.Val108Leu; replaces valine 108 with leucine.
Molecular consequence: missense variant.
Genome position (GRCh38, 1-based): chr2:27,312,547, C>A on the plus strand (G>T on the coding strand, the complement: MPV17 is on the minus strand). VCF-style: chr2-27312547-C-A. GRCh37 (hg19) VCF-style: chr2-27535414-C-A.
Other names: short protein forms V108L.
Identifiers: ClinVar variation 4848052 (VCV004848052.1).

ClinVar aggregate classification (germline): Uncertain significance (1 of 4 stars; one submission).

gnomAD v4.1: 1 of 1,614,170 alleles (0.000062%); highest among the groups gnomAD compares: Non-Finnish European, 0.000085%; no homozygotes.

Submission:

Women's Health and Genetics/Laboratory Corporation of America, LabCorp
Classification: Uncertain significance. Last evaluated: 2026-02-04. Review status: criteria provided, single submitter. Criteria: LabCorp Variant Classification Summary - May 2015. Collection method: clinical testing. Allele origin: germline.
Comment: Variant summary: MPV17 c.322G>T (p.Val108Leu) results in a conservative amino acid change in the encoded protein sequence. Algorithms developed to predict the effect of missense changes on protein structure and function are either unavailable or do not agree on the potential impact of this missense change. The variant allele was found at a frequency of 4e-06 in 251364 control chromosomes. The available data on variant occurrences in the general population are insufficient to allow any conclusion about variant significance. To our knowledge, no occurrence of c.322G>T in individuals affected with MPV17-related conditions and no experimental evidence demonstrating its impact on protein function have been reported. No submitters have cited clinical-significance assessments for this variant to ClinVar. Based on the evidence outlined above, the variant was classified as uncertain significance.